The following is an entry in ClinVar:

ClinVar aggregate classification (germline): Uncertain significance (1 of 4 stars; one submission).

Conditions:
Hajdu-Cheney syndrome (HJCYS). Also called: Acroosteolysis dominant type; ACROOSTEOLYSIS WITH OSTEOPOROSIS AND CHANGES IN SKULL AND MANDIBLE; SERPENTINE FIBULA-POLYCYSTIC KIDNEY SYNDROME. Identifiers: Orphanet 955, MedGen C0917715, MONDO:0007057, OMIM 102500.

gnomAD v4.1: 4 of 1,613,964 alleles (0.00025%); highest among the groups gnomAD compares: Middle Eastern, 0.033%; no homozygotes.

Submission:

Labcorp Genetics (formerly Invitae), Labcorp
Classification: Uncertain significance for Hajdu-Cheney syndrome. Last evaluated: 2024-09-18. Review status: criteria provided, single submitter. Criteria: Invitae Variant Classification Sherloc (09022015). Collection method: clinical testing. Allele origin: germline.
Comment: This sequence change replaces aspartic acid, which is acidic and polar, with asparagine, which is neutral and polar, at codon 377 of the NOTCH2 protein (p.Asp377Asn). This variant is not present in population databases (gnomAD no frequency). This variant has not been reported in the literature in individuals affected with NOTCH2-related conditions. An algorithm developed to predict the effect of missense changes on protein structure and function (PolyPhen-2) suggests that this variant is likely to be disruptive. In summary, the available evidence is currently insufficient to determine the role of this variant in disease. Therefore, it has been classified as a Variant of Uncertain Significance.

NM_024408.4(NOTCH2):c.1129G>A (p.Asp377Asn)

Gene: NOTCH2 (notch receptor 2; minus strand). Cytogenetic location: 1p12.
Variant type: single nucleotide variant.
Coding change: c.1129G>A on transcript NM_024408.4 (MANE Select); coding-DNA position 1129, G replaced by A.
Protein change: p.Asp377Asn; replaces aspartic acid 377 with asparagine.
Molecular consequence: missense variant.
Genome position (GRCh38, 1-based): chr1:119,968,212, C>T on the plus strand (G>A on the coding strand, the complement: NOTCH2 is on the minus strand). VCF-style: chr1-119968212-C-T. GRCh37 (hg19) VCF-style: chr1-120510835-C-T.
Other names: c.1129G>A, p.Asp377Asn (NM_001200001.2); short protein forms D377N.
Identifiers: ClinVar variation 3692049 (VCV003692049.2).